The following is an entry in ClinVar:

NM_001376571.1(MADD):c.2996C>T (p.Pro999Leu)

Gene: MADD (MAP kinase activating death domain; plus strand). Cytogenetic location: 11p11.2.
Variant type: single nucleotide variant.
Coding change: c.2996C>T on transcript NM_001376571.1 (MANE Select); coding-DNA position 2996, C replaced by T.
Protein change: p.Pro999Leu; replaces proline 999 with leucine.
Molecular consequence: missense variant. On other transcripts: non-coding transcript variant (7), intron variant (1).
Genome position (GRCh38, 1-based): chr11:47,290,046, C>T. VCF-style: chr11-47290046-C-T. GRCh37 (hg19) VCF-style: chr11-47311597-C-T.
Other names: c.2807C>T, p.Pro936Leu (NM_001376598.1, NM_001376603.1, NM_001376604.1 and 20 more transcripts); c.2996C>T, p.Pro999Leu (NM_001376599.1, NM_001376600.1, NM_001376601.1 and 11 more transcripts); c.2843C>T, p.Pro948Leu (NM_001376602.1); c.2867C>T, p.Pro956Leu (NM_001376607.1, NM_001376617.1, NM_001376624.1 and 15 more transcripts); c.2732C>T, p.Pro911Leu (NM_001376620.1, NM_001376657.1); c.2936C>T, p.Pro979Leu (NM_001376622.1, NM_001376623.1, NM_130470.3 and 12 more transcripts); c.2792C>T, p.Pro931Leu (NM_001376626.1, NM_001376648.1); c.2603C>T, p.Pro868Leu (NM_001376644.1, NM_001376660.1, NM_001376647.1); and 9 more; short protein forms P868L, P888L, P945L, P947L, P999L, P757L, P902L, P911L.
Identifiers: ClinVar variation 2345004 (VCV002345004.6), dbSNP rs371396751, ClinGen allele CA5974633.

ClinVar aggregate classification (germline): Conflicting classifications of pathogenicity. Review status: criteria provided, conflicting classifications (1 of 4 stars). 3 submissions from 3 submitters: Uncertain significance (2); Likely benign (1). Last evaluated 2025-05-16.

Conditions:
Deeah syndrome. Also called: DEVELOPMENTAL DELAY WITH ENDOCRINE, EXOCRINE, AUTONOMIC, AND HEMATOLOGIC ABNORMALITIES. Identifiers: Orphanet 686495, MedGen C5436579, MONDO:0033561, OMIM 619004.
Inborn genetic diseases. Identifiers: MedGen C0950123, MeSH D030342.

Allele frequency attached by ClinVar (database versions not stated): TOPMed 0.00003; gnomAD 0.00001; ExAC 0.00002; ESP Exome Variant Server 0.00015.
gnomAD v4.1: 18 of 1,613,938 alleles (0.0011%); highest among the groups gnomAD compares: Admixed American, 0.0083%; no homozygotes.

Submissions (3):

GeneDx
Classification: Uncertain significance. Last evaluated: 2025-05-16. Review status: criteria provided, single submitter. Criteria: GeneDx Variant Classification Process June 2021. Collection method: clinical testing. Allele origin: germline.
Comment: In silico analysis supports that this missense variant has a deleterious effect on protein structure/function; Has not been previously published as pathogenic or benign to our knowledge; This variant is associated with the following publications: (PMID: 36413997)

Ambry Genetics
Classification: Likely benign for Inborn genetic diseases. Last evaluated: 2024-05-08. Review status: criteria provided, single submitter. Criteria: Ambry Variant Classification Scheme 2023. Collection method: clinical testing. Allele origin: germline.

Institute of Human Genetics, University Hospital of Duesseldorf
Classification: Uncertain significance for Deeah syndrome. Review status: criteria provided, single submitter. Criteria: ACMG Guidelines, 2015. Collection method: not provided. Allele origin: germline. Inheritance: Autosomal recessive inheritance. Affected: yes.

Literature cited by the submitters: PubMed 36413997 (cited by Ambry Genetics).